The following is an entry in ClinVar:

ClinVar aggregate classification (germline): Uncertain significance. Review status: criteria provided, multiple submitters, no conflicts (2 of 4 stars). 2 submissions from 2 submitters: Uncertain significance (2). Last evaluated 2025-07-31.

Allele frequency attached by ClinVar (database versions not stated): ExAC 0.00007; gnomAD 0.00019; ESP Exome Variant Server 0.00023; TOPMed 0.00030.
gnomAD v4.1: 74 of 1,614,058 alleles (0.0046%); highest among the groups gnomAD compares: African/African-American, 0.067%; no homozygotes.

Submissions (2):

Labcorp Genetics (formerly Invitae), Labcorp
Classification: Uncertain significance. Last evaluated: 2025-07-31. Review status: criteria provided, single submitter. Criteria: Invitae Variant Classification Sherloc (09022015). Collection method: clinical testing. Allele origin: germline.
Comment: This sequence change replaces proline, which is neutral and non-polar, with threonine, which is neutral and polar, at codon 750 of the LAMB1 protein (p.Pro750Thr). This variant is present in population databases (rs150567555, gnomAD 0.05%). This variant has not been reported in the literature in individuals affected with LAMB1-related conditions. ClinVar contains an entry for this variant (Variation ID: 2080753). An algorithm developed to predict the effect of missense changes on protein structure and function (PolyPhen-2) suggests that this variant is likely to be disruptive. In summary, the available evidence is currently insufficient to determine the role of this variant in disease. Therefore, it has been classified as a Variant of Uncertain Significance.

GeneDx
Classification: Uncertain significance. Last evaluated: 2025-02-05. Review status: criteria provided, single submitter. Criteria: GeneDx Variant Classification Process June 2021. Collection method: clinical testing. Allele origin: germline. Affected: yes.
Comment: In silico analysis supports that this missense variant has a deleterious effect on protein structure/function; Has not been previously published as pathogenic or benign to our knowledge; This variant is associated with the following publications: (PMID: 23472759)

NM_002291.3(LAMB1):c.2248C>A (p.Pro750Thr)

Gene: LAMB1 (laminin subunit beta 1; minus strand). Cytogenetic location: 7q31.1.
Variant type: single nucleotide variant.
Coding change: c.2248C>A on transcript NM_002291.3 (MANE Select); coding-DNA position 2248, C replaced by A.
Protein change: p.Pro750Thr; replaces proline 750 with threonine.
Molecular consequence: missense variant.
Genome position (GRCh38, 1-based): chr7:107,960,511, G>T on the plus strand (C>A on the coding strand, the complement: LAMB1 is on the minus strand). VCF-style: chr7-107960511-G-T. GRCh37 (hg19) VCF-style: chr7-107600956-G-T.
Other names: c.2248C>A (NM_002291.2); short protein forms P750T.
Identifiers: ClinVar variation 2080753 (VCV002080753.5), dbSNP rs150567555, ClinGen allele CA4435710.
Genomic context (GRCh38, chr7:107,960,511, plus strand): 5'-CTGTCTGGTGTAACAGGGCAGAAATGCTAAAGATGATGTTTCTGCAAACATCTGTCATCG[G>T]TGTTTTCACAACGCTTCTGCTGTTCTCTAGACATCGGTATCTCTGAAAGGTTTCCCAGGC-3'
Protein context (NP_002282.2, residues 740-760): LENSRSVVKT[Pro750Thr]MTDVCRNIIF